The following is an entry in ClinVar:

ClinVar aggregate classification (germline): Uncertain significance (1 of 4 stars; one submission).

Allele frequency attached by ClinVar (database versions not stated): ExAC 0.00001; gnomAD exomes 0.00001.
gnomAD v4.1: 7 of 1,613,902 alleles (0.00043%); highest among the groups gnomAD compares: Non-Finnish European, 0.00059%; no homozygotes.

Submission:

Women's Health and Genetics/Laboratory Corporation of America, LabCorp
Classification: Uncertain significance. Last evaluated: 2024-03-04. Review status: criteria provided, single submitter. Criteria: LabCorp Variant Classification Summary - May 2015. Collection method: clinical testing. Allele origin: germline.
Comment: Variant summary: LHX4 c.50C>T (p.Pro17Leu) results in a non-conservative amino acid change in the encoded protein sequence. Three of five in-silico tools predict a damaging effect of the variant on protein function. The variant allele was found at a frequency of 4e-06 in 250634 control chromosomes (gnomAD). The available data on variant occurrences in the general population are insufficient to allow any conclusion about variant significance. To our knowledge, no occurrence of c.50C>T in individuals affected with Short Stature-Pituitary And Cerebellar Defects-Small Sella Turcica Syndrome and no experimental evidence demonstrating its impact on protein function have been reported. No submitters have cited clinical-significance assessments for this variant to ClinVar. Based on the evidence outlined above, the variant was classified as uncertain significance.

NM_033343.4(LHX4):c.50C>T (p.Pro17Leu)

Gene: LHX4 (LIM homeobox 4; plus strand). Cytogenetic location: 1q25.2.
Variant type: single nucleotide variant.
Coding change: c.50C>T on transcript NM_033343.4 (MANE Select); coding-DNA position 50, C replaced by T.
Protein change: p.Pro17Leu; replaces proline 17 with leucine.
Molecular consequence: missense variant.
Genome position (GRCh38, 1-based): chr1:180,230,579, C>T. VCF-style: chr1-180230579-C-T. GRCh37 (hg19) VCF-style: chr1-180199714-C-T.
Other names: short protein forms P17L.
Identifiers: ClinVar variation 3233678 (VCV003233678.2), dbSNP rs759346232, ClinGen allele CA1271774.